The following is an entry in ClinVar:

ClinVar aggregate classification (germline): Uncertain significance. Review status: criteria provided, multiple submitters, no conflicts (2 of 4 stars). 4 submissions from 4 submitters: Uncertain significance (4). Last evaluated 2024-02-05.

Conditions:
Hereditary cancer-predisposing syndrome. Also called: Hereditary neoplastic syndrome; Tumor predisposition; Neoplastic Syndromes, Hereditary; Hereditary Cancer Syndrome. Identifiers: Orphanet 140162, MedGen C0027672, MeSH D009386, MONDO:0015356.
Hereditary breast ovarian cancer syndrome. Also called: Hereditary breast and ovarian cancer; Hereditary breast and/or ovarian cancer syndrome; Hereditary breast and ovarian cancer syndrome; Hereditary breast and ovarian cancer syndrome (HBOC); Breast and ovarian cancer; BRCA1- and BRCA2-Associated Hereditary Breast and Ovarian Cancer. Identifiers: Orphanet 145, MedGen C0677776, MeSH D061325, MONDO:0003582. Disease mechanism: loss of function.

Submissions (4):

Revvity Omics, Revvity
Classification: Uncertain significance. Last evaluated: 2024-02-05. Review status: criteria provided, single submitter. Criteria: ACMG Guidelines, 2015. Collection method: clinical testing. Allele origin: germline.

Labcorp Genetics (formerly Invitae), Labcorp
Classification: Uncertain significance for Hereditary breast ovarian cancer syndrome. Last evaluated: 2023-09-06. Review status: criteria provided, single submitter. Criteria: Invitae Variant Classification Sherloc (09022015). Collection method: clinical testing. Allele origin: germline.
Comment: This variant, c.3782_3784del, results in the deletion of 1 amino acid(s) of the BRCA1 protein (p.Leu1261del), but otherwise preserves the integrity of the reading frame. This variant is not present in population databases (gnomAD no frequency). This variant has not been reported in the literature in individuals affected with BRCA1-related conditions. ClinVar contains an entry for this variant (Variation ID: 418070). In summary, the available evidence is currently insufficient to determine the role of this variant in disease. Therefore, it has been classified as a Variant of Uncertain Significance.

Ambry Genetics
Classification: Uncertain significance for Hereditary cancer-predisposing syndrome. Last evaluated: 2019-08-21. Review status: criteria provided, single submitter. Criteria: Ambry Variant Classification Scheme 2023. Collection method: clinical testing. Allele origin: germline.
Comment: The c.3782_3784delTAT variant (also known as p.L1261del) is located in coding exon 9 of the BRCA1 gene. This variant results from an in-frame TAT deletion at nucleotide positions 3782 to 3784. This results in the in-frame deletion of a leucine at codon 1261. This amino acid position is poorly conserved in available vertebrate species. In addition, this alteration is predicted to be neutral by in silico analysis (Choi Y et al. PLoS ONE. 2012; 7(10):e46688). Since supporting evidence is limited at this time, the clinical significance of this alteration remains unclear.

GeneDx
Classification: Uncertain significance. Last evaluated: 2015-02-20. Review status: criteria provided, single submitter. Criteria: GeneDx Variant Classification (06012015). Collection method: clinical testing. Allele origin: germline. Affected: yes.
Comment: This deletion of 3 nucleotides in BRCA1 is denoted c.3782_3784delTAT at the cDNA level and p.Leu1261del at the protein level. The normal sequence, with the bases that are deleted in brackets, is TTAT[TAT]CATT. This in frame deletion of a single Leucine residue occurs at a position that is conserved in primates, but poorly conserved across species, and is not located in a known functional domain. This variant, also known as BRCA1 c.3901_3903delTAT by alternate nomenclature, has not, to our knowledge, been published in the literature as pathogenic or benign. BRCA1 Leu1261del was not observed in approximately 6,500 individuals of European and African American ancestry in the NHLBI Exome Sequencing Project, indicating it is not a common benign variant in these populations. Although this variant is not predicted to affect splicing, in frame deletions may or may not inhibit proper protein functioning, therefore the clinical significance of this finding remains unclear at this time and we consider BRCA1 Leu1261del to be a variant of uncertain significance.

NM_007294.4(BRCA1):c.3779TAT[1] (p.Leu1261del)

Genes: BRCA1 (BRCA1 DNA repair associated; minus strand), LOC126862571 (BRD4-independent group 4 enhancer GRCh37_chr17:41243136-41244335; plus strand). Cytogenetic location: 17q21.31.
Variant type: Microsatellite.
Coding change: c.3779TAT[1] on transcript NM_007294.4 (MANE Select); one copy of the 3-base unit TAT starting at c.3779; the reference has two copies in a row; one copy, 3 bases deleted; also written c.3782_3784del.
Protein change: p.Leu1261del; deletes leucine 1261.
Molecular consequence: inframe deletion. On other transcripts: intron variant (135), inframe indel (1).
Genome position (GRCh38, 1-based): chr17:43,091,747-43,091,749, ATA deleted on the plus strand (TAT on the coding strand, the reverse complement: BRCA1 is on the minus strand); deleting any 3 consecutive bases within chr17:43,091,747-43,091,753 gives the same sequence; the position shown is the placement nearest the transcript's 3' end. VCF-style (leftmost placement, unchanged base first): chr17-43091746-GATA-G. GRCh37 (hg19) VCF-style: chr17-41243763-GATA-G.
Other names: c.3770TAT[1], p.Leu1258del (NM_001407647.1, NM_001407646.1); c.3779TAT[1], p.Leu1261del (NM_007300.4, NM_001407652.1, NM_001407581.1 and 30 more transcripts); c.647-717_647-715del (NM_001408458.1, NM_001408453.1, NM_001408461.1 and 11 more transcripts); c.785-717_785-715del (NM_001408397.1, NM_001408401.1, NM_001408396.1 and 13 more transcripts); c.665-717_665-715del (NM_001408436.1, NM_001408444.1, NM_001408438.1 and 12 more transcripts); c.788-717_788-715del (NM_001407980.1, NM_001407993.1, NM_001407976.1 and 17 more transcripts); c.3653TAT[1], p.Leu1219del (NM_001407649.1, NM_001407670.1, NM_001407671.1 and 11 more transcripts); c.644-717_644-715del (NM_001408470.1, NM_001408464.1, NM_001408468.1 and 3 more transcripts); and 43 more; short protein forms L1261del, L1214del, L1150del, L1194del, L1093del, L1172del, L1173del, L1258del.
Identifiers: ClinVar variation 418070 (VCV000418070.9), dbSNP rs1064793058, ClinGen allele CA16620428.
Genomic context (GRCh38, chr17:43,091,746, plus strand): 5'-TCCTGAGATGCCTTTGCCAATATTACCTGGTTACTGCAGTCATTTAAGCTATTCTTCAAT[GATA>G]ATAAATTCTCCTCTGTGTTCTTAGACAGACACTCGGTAGCAACGGTGCTATGCCTAGTAG-3'